The following is an entry in ClinVar:

NM_022124.6(CDH23):c.2329_2330del (p.Thr777fs)

Gene: CDH23 (cadherin related 23; plus strand). Cytogenetic location: 10q22.1.
Variant type: Deletion.
Coding change: c.2329_2330del on transcript NM_022124.6 (MANE Select); coding-DNA positions 2329 to 2330, 2 bases deleted (AC; older notation c.2329_2330delAC).
Protein change: p.Thr777fs; shifts the reading frame from threonine 777.
Molecular consequence: frameshift variant.
Genome position (GRCh38, 1-based): chr10:71,695,457-71,695,458, AC deleted; deleting any 2 consecutive bases within chr10:71,695,456-71,695,458 gives the same sequence; the c. name uses the placement nearest the transcript's 3' end. VCF-style (leftmost placement, unchanged base first): chr10-71695455-CCA-C. GRCh37 (hg19) VCF-style: chr10-73455212-CCA-C.
Other names: c.2329_2330del, p.Thr777fs (NM_001171930.2, NM_001171931.2); c.2329_2330delAC (NM_022124.5); short protein forms T777fs.
Identifiers: ClinVar variation 652004 (VCV000652004.7), dbSNP rs775093336, ClinGen allele CA5544182.

ClinVar aggregate classification (germline): Pathogenic. Review status: criteria provided, multiple submitters, no conflicts (2 of 4 stars). 2 submissions from 2 submitters: Pathogenic (2). Last evaluated 2023-04-11.

Submissions (2):

Labcorp Genetics (formerly Invitae), Labcorp
Classification: Pathogenic. Last evaluated: 2023-04-11. Review status: criteria provided, single submitter. Criteria: Invitae Variant Classification Sherloc (09022015). Collection method: clinical testing. Allele origin: germline.
Comment: For these reasons, this variant has been classified as Pathogenic. ClinVar contains an entry for this variant (Variation ID: 652004). This premature translational stop signal has been observed in individual(s) with Usher syndrome (PMID: 33111992). This variant is present in population databases (rs775093336, gnomAD 0.003%). This sequence change creates a premature translational stop signal (p.Thr777Valfs*19) in the CDH23 gene. It is expected to result in an absent or disrupted protein product. Loss-of-function variants in CDH23 are known to be pathogenic (PMID: 11138009, 21940737).

GeneDx
Classification: Pathogenic. Last evaluated: 2019-02-25. Review status: criteria provided, single submitter. Criteria: GeneDx Variant Classification (06012015). Collection method: clinical testing. Allele origin: germline. Affected: yes.
Comment: The c.2329_2330delAC variant has not been published as a pathogenic variant, nor has it been reported as a benign variant to our knowledge. The variant is not observed at a significant frequency in large population cohorts (Lek et al., 2016). It causes a frameshift starting with codon Threonine 777, changes this amino acid to a Valine residue and creates a premature Stop codon at position 19 of the new reading frame, denoted p.Thr777ValfsX19. This variant is predicted to cause loss of normal protein function either through protein truncation or nonsense-mediated mRNA decay. We interpret this variant as pathogenic.

Literature cited by the submitters: PubMed 33111992 (cited by Labcorp Genetics (formerly Invitae), Labcorp); PubMed 11138009 (cited by Labcorp Genetics (formerly Invitae), Labcorp); PubMed 21940737 (cited by Labcorp Genetics (formerly Invitae), Labcorp).